The following is an entry in ClinVar:

ClinVar aggregate classification (germline): Uncertain significance (1 of 4 stars; one submission).

Conditions:
Retinitis pigmentosa 59 (RP59). Identifiers: Orphanet 791, MedGen C3151227, MONDO:0013468, OMIM 613861.

Submission:

Labcorp Genetics (formerly Invitae), Labcorp
Classification: Uncertain significance for Retinitis pigmentosa 59. Last evaluated: 2023-03-10. Review status: criteria provided, single submitter. Criteria: Invitae Variant Classification Sherloc (09022015). Collection method: clinical testing. Allele origin: germline.
Comment: In summary, the available evidence is currently insufficient to determine the role of this variant in disease. Therefore, it has been classified as a Variant of Uncertain Significance. An algorithm developed to predict the effect of missense changes on protein structure and function (PolyPhen-2) suggests that this variant is likely to be tolerated. This variant has not been reported in the literature in individuals affected with DHDDS-related conditions. This variant is not present in population databases (gnomAD no frequency). This sequence change replaces alanine, which is neutral and non-polar, with serine, which is neutral and polar, at codon 317 of the DHDDS protein (p.Ala317Ser).

NM_205861.3(DHDDS):c.946G>T (p.Ala316Ser)

Gene: DHDDS (dehydrodolichyl diphosphate synthase subunit; plus strand). Cytogenetic location: 1p36.11.
Variant type: single nucleotide variant.
Coding change: c.946G>T on transcript NM_205861.3 (MANE Select); coding-DNA position 946, G replaced by T.
Protein change: p.Ala316Ser; replaces alanine 316 with serine.
Molecular consequence: missense variant.
Genome position (GRCh38, 1-based): chr1:26,469,075, G>T. VCF-style: chr1-26469075-G-T. GRCh37 (hg19) VCF-style: chr1-26795566-G-T.
Other names: c.844G>T, p.Ala282Ser (NM_001243564.2); c.829G>T, p.Ala277Ser (NM_001243565.2); c.667G>T, p.Ala223Ser (NM_001319959.2); c.949G>T, p.Ala317Ser (NM_024887.4); short protein forms A223S, A277S, A316S, A282S, A317S.
Identifiers: ClinVar variation 2730754 (VCV002730754.3), dbSNP rs760304376, ClinGen allele CA339145923.